The following is an entry in ClinVar:

NM_000124.4(ERCC6):c.2866C>T (p.Gln956Ter)

Genes: ERCC6 (ERCC excision repair 6, chromatin remodeling factor; minus strand), LOC126860933 (BRD4-independent group 4 enhancer GRCh37_chr10:50679962-50681161; plus strand). Cytogenetic location: 10q11.23.
Variant type: single nucleotide variant.
Coding change: c.2866C>T on transcript NM_000124.4 (MANE Select); coding-DNA position 2866, C replaced by T.
Protein change: p.Gln956Ter; replaces glutamine 956 with a stop codon.
Molecular consequence: nonsense.
Genome position (GRCh38, 1-based): chr10:49,472,434, G>A on the plus strand (C>T on the coding strand, the complement: ERCC6 is on the minus strand). VCF-style: chr10-49472434-G-A. GRCh37 (hg19) VCF-style: chr10-50680480-G-A.
Other names: c.2866C>T, p.Gln956Ter (NM_001346440.2); short protein forms Q956*.
Identifiers: ClinVar variation 3642499 (VCV003642499.2).

ClinVar aggregate classification (germline): Pathogenic (1 of 4 stars; one submission).

Submission:

Labcorp Genetics (formerly Invitae), Labcorp
Classification: Pathogenic. Last evaluated: 2024-02-22. Review status: criteria provided, single submitter. Criteria: Invitae Variant Classification Sherloc (09022015). Collection method: clinical testing. Allele origin: germline.
Comment: This sequence change creates a premature translational stop signal (p.Gln956*) in the ERCC6 gene. It is expected to result in an absent or disrupted protein product. Loss-of-function variants in ERCC6 are known to be pathogenic (PMID: 18628313, 29572252). This variant is not present in population databases (gnomAD no frequency). This variant has not been reported in the literature in individuals affected with ERCC6-related conditions. For these reasons, this variant has been classified as Pathogenic.

Literature cited by the submitters: PubMed 18628313; PubMed 29572252.